The following is an entry in ClinVar:

ClinVar aggregate classification (germline): Uncertain significance (1 of 4 stars; one submission).

Conditions:
Long QT syndrome (LQTS). Identifiers: MedGen C0023976, MeSH D008133, MONDO:0002442. Disease mechanism: loss of function. Inheritance: Various modes of inheritance.

Submission:

All of Us Research Program, National Institutes of Health
Classification: Uncertain significance for Long QT syndrome. Last evaluated: 2024-01-08. Review status: criteria provided, single submitter. Criteria: ACMG Guidelines, 2015. Collection method: clinical testing. Allele origin: germline. Inheritance: Autosomal dominant inheritance. Observed: 1 variant allele, 1 heterozygote.
Comment: This missense variant replaces serine with asparagine at codon 980 of the KCNH2 protein. Computational prediction suggests that this variant may not impact protein structure and function (internally defined REVEL score threshold <= 0.5, PMID: 27666373). This variant is found within a highly conserved C-terminus region (a.a. 843-1159). Rare non-truncating variants in this region have been shown to be significantly overrepresented in individuals with long QT syndrome (PMID: 32893267). To our knowledge, functional studies have not been reported for this variant. This variant has not been reported in individuals affected with KCNH2-related disorders in the literature. This variant has not been identified in the general population by the Genome Aggregation Database (gnomAD). The available evidence is insufficient to determine the role of this variant in disease conclusively. Therefore, this variant is classified as a Variant of Uncertain Significance.

This study involves interpretation of variants in research participants for the purpose of population health screening. Participant phenotype was not available at the time of variant classification. Additional details can be found in publication PMID: 35346344, PMCID: PMC8962531

Literature cited by the submitters: PubMed 32893267.

NM_000238.4(KCNH2):c.2939G>A (p.Ser980Asn)

Gene: KCNH2 (potassium voltage-gated channel subfamily H member 2; minus strand). Cytogenetic location: 7q36.1.
Variant type: single nucleotide variant.
Coding change: c.2939G>A on transcript NM_000238.4 (MANE Select); coding-DNA position 2939, G replaced by A.
Protein change: p.Ser980Asn; replaces serine 980 with asparagine.
Molecular consequence: missense variant. On other transcripts: non-coding transcript variant (2).
Genome position (GRCh38, 1-based): chr7:150,947,632, C>T on the plus strand (G>A on the coding strand, the complement: KCNH2 is on the minus strand). VCF-style: chr7-150947632-C-T. GRCh37 (hg19) VCF-style: chr7-150644720-C-T.
Other names: c.2651G>A, p.Ser884Asn (NM_001406753.1); c.1919G>A, p.Ser640Asn (NM_172057.3); short protein forms S640N, S884N, S980N.
Identifiers: ClinVar variation 3075291 (VCV003075291.1), dbSNP rs2486006314, ClinGen allele CA369853090.
Genomic context (GRCh38, chr7:150,947,632, plus strand): 5'-CGGTCCTCCCTCGCCCGCCCGTCGCCCGGGATACCTGACAGGGGGTTGCAAGTGTCGCTG[C>T]TCTTCTCGCAGTCCTCCATCAGGGGCTCCCCACCCGGCGGCTCTCCGGGGGGCCTGGGGC-3'
Protein context (NP_000229.1, residues 970-990): GEPLMEDCEK[Ser980Asn]SDTCNPLSGA